The following is an entry in ClinVar:

NM_002156.5(HSPD1):c.1257C>A (p.Asp419Glu)

Gene: HSPD1 (heat shock protein family D (Hsp60) member 1; minus strand). Cytogenetic location: 2q33.1.
Variant type: single nucleotide variant.
Coding change: c.1257C>A on transcript NM_002156.5 (MANE Select); coding-DNA position 1257, C replaced by A.
Protein change: p.Asp419Glu; replaces aspartic acid 419 with glutamic acid.
Molecular consequence: missense variant.
Genome position (GRCh38, 1-based): chr2:197,488,450, G>T on the plus strand (C>A on the coding strand, the complement: HSPD1 is on the minus strand). VCF-style: chr2-197488450-G-T. GRCh37 (hg19) VCF-style: chr2-198353174-G-T.
Other names: c.1257C>A, p.Asp419Glu (NM_199440.2); short protein forms D419E.
Identifiers: ClinVar variation 1705500 (VCV001705500.2), dbSNP rs376504536, ClinGen allele CA2043400.

ClinVar aggregate classification (germline): Uncertain significance (1 of 4 stars; one submission).

Conditions:
Leukodystrophy, hypomyelinating, 4. Also called: MITCHAP60 DISEASE; MITOCHONDRIAL HSP60 CHAPERONOPATHY. Identifiers: Orphanet 280270, Orphanet 280288, MedGen C2677109, MONDO:0012824, OMIM 612233.

Allele frequency attached by ClinVar (database versions not stated): ExAC 0.00001; gnomAD exomes 0.00001; ESP Exome Variant Server 0.00008.
gnomAD v4.1: 8 of 1,613,860 alleles (0.0005%); highest among the groups gnomAD compares: Non-Finnish European, 0.00068%; no homozygotes.

Submission:

3billion
Classification: Uncertain significance for Leukodystrophy, hypomyelinating, 4. Last evaluated: 2025-11-22. Review status: criteria provided, single submitter. Criteria: ACMG Guidelines, 2015. Collection method: clinical testing. Allele origin: germline. Affected: yes.
Comment: The variant is observed at an extremely low frequency in the gnomAD v4.1.0 dataset (total allele frequency: <0.001%). Predicted Consequence/Location: Missense variant In silico tool predictions suggest damaging effect of the variant on gene or gene product [REVEL: 0.81 (>=0.6, sensitivity 0.68 and specificity 0.92)]. The variant has been reported as of uncertain significance (ClinVar ID: VCV001705500). Therefore, this variant is classified as VUS according to the recommendation of ACMG/AMP guideline.